The following is an entry in ClinVar:

NM_001292063.2(OTOG):c.8038G>A (p.Glu2680Lys)

Gene: OTOG (otogelin; plus strand). Cytogenetic location: 11p15.1.
Variant type: single nucleotide variant.
Coding change: c.8038G>A on transcript NM_001292063.2 (MANE Select); coding-DNA position 8038, G replaced by A.
Protein change: p.Glu2680Lys; replaces glutamic acid 2680 with lysine.
Molecular consequence: missense variant.
Genome position (GRCh38, 1-based): chr11:17,640,939, G>A. VCF-style: chr11-17640939-G-A. GRCh37 (hg19) VCF-style: chr11-17662486-G-A.
Other names: c.8074G>A, p.Glu2692Lys (NM_001277269.2); short protein forms E2692K, E2680K.
Identifiers: ClinVar variation 229107 (VCV000229107.5), dbSNP rs758935605, ClinGen allele CA5906223.
Genomic context (GRCh38, chr11:17,640,939, plus strand): 5'-TGGATGACTGTTGCCGCCCTGCATGCCCATCCAGTGAAGGCCCCGGTGTGTCTGAGCCGC[G>A]AGCTGGGTGTGATGCAGCCCGGCCAGACAGTGGTGGAGCTCTCAGCAGATGGCGTGTGCC-3'
Protein context (NP_001278992.1, residues 2670-2690): CVKAPVCLSR[Glu2680Lys]LGVMQPGQTV

ClinVar aggregate classification (germline): Uncertain significance (1 of 4 stars; one submission).

Allele frequency attached by ClinVar (database versions not stated): gnomAD 0.00001 and 0.00005; TOPMed 0.00001; 1000 Genomes Project 30x 0.00016; gnomAD exomes 0.00019; ExAC 0.00069.
gnomAD v4.1: 119 of 1,548,234 alleles (0.0077%); highest among the groups gnomAD compares: South Asian, 0.12%; 2 homozygotes.

Submission:

Laboratory for Molecular Medicine, Mass General Brigham Personalized Medicine
Classification: Uncertain significance. Last evaluated: 2015-06-16. Review status: criteria provided, single submitter. Criteria: LMM Criteria. Collection method: clinical testing. Allele origin: germline. Observed: 1 variant allele.
Comment: The p.Glu2692Lys variant in OTOG has not been previously reported in individuals with hearing loss, but has been identified in 0.1% (10/7590) of South Asian chr omosomes by the Exome Aggregation Consortium (ExAC, rg). Although this variant has been seen in the general population, its frequenc y is not high enough to rule out a pathogenic role. Computational prediction too ls and conservation analysis do not provide strong support for or against an imp act to the protein. In summary, the clinical significance of the p.Glu2692Lys va riant is uncertain.